The following is an entry in ClinVar:

NM_172250.3(MMAA):c.443T>A (p.Leu148Ter)

Gene: MMAA (metabolism of cobalamin associated A; plus strand). Cytogenetic location: 4q31.21.
Variant type: single nucleotide variant.
Coding change: c.443T>A on transcript NM_172250.3 (MANE Select); coding-DNA position 443, T replaced by A.
Protein change: p.Leu148Ter; replaces leucine 148 with a stop codon.
Molecular consequence: nonsense.
Genome position (GRCh38, 1-based): chr4:145,642,366, T>A. VCF-style: chr4-145642366-T-A. GRCh37 (hg19) VCF-style: chr4-146563518-T-A.
Other names: c.443T>A, p.Leu148Ter (NM_001375644.1); short protein forms L148*.
Identifiers: ClinVar variation 1950525 (VCV001950525.6), dbSNP rs1727810406, ClinGen allele CA358354554.

ClinVar aggregate classification (germline): Pathogenic. Review status: criteria provided, multiple submitters, no conflicts (2 of 4 stars). 2 submissions from 2 submitters: Pathogenic (2). Last evaluated 2024-04-09.

Conditions:
Methylmalonic aciduria, cblA type (MACA). Also called: Methylmalonic aciduria, vitamin b12-responsive, due to defect in synthesis of adenosylcobalamin, cbla complementation type; MMA cbl A type; Methylmalonic acidemia cblA type; Vitamin B12-responsive methylmalonic acidemia type cblA; Methylmalonic aciduria, vitamin B12-responsive. Identifiers: Orphanet 28, Orphanet 79310, MedGen C1855109, MONDO:0009613, OMIM 251100.

Submissions (2):

Labcorp Genetics (formerly Invitae), Labcorp
Classification: Pathogenic for Methylmalonic aciduria, cblA type. Last evaluated: 2024-04-09. Review status: criteria provided, single submitter. Criteria: Invitae Variant Classification Sherloc (09022015). Collection method: clinical testing. Allele origin: germline.
Comment: This sequence change creates a premature translational stop signal (p.Leu148*) in the MMAA gene. It is expected to result in an absent or disrupted protein product. Loss-of-function variants in MMAA are known to be pathogenic (PMID: 15523652, 15781192). This variant is not present in population databases (gnomAD no frequency). This variant has not been reported in the literature in individuals affected with MMAA-related conditions. ClinVar contains an entry for this variant (Variation ID: 1950525). Algorithms developed to predict the effect of sequence changes on RNA splicing suggest that this variant may disrupt the consensus splice site. For these reasons, this variant has been classified as Pathogenic.

Myriad Genetics, Inc.
Classification: Pathogenic for Methylmalonic aciduria, cblA type. Last evaluated: 2024-03-29. Review status: criteria provided, single submitter. Criteria: Myriad Autosomal Dominant, Autosomal Recessive and X-Linked Classification Criteria (2023). Collection method: clinical testing. Allele origin: unknown.
Comment: NM_172250.2(MMAA):c.443T>A(L148*) is expected to be pathogenic in the context of methylmalonic acidemia, cblA type. This variant is predicted to lead to an abnormal or absent protein product due to the creation of a premature termination codon in MMAA, a gene where loss-of-function variants are known to be pathogenic. Please note: this variant was assessed in the context of healthy population screening.

Literature cited by the submitters: PubMed 15523652 (cited by Labcorp Genetics (formerly Invitae), Labcorp); PubMed 15781192 (cited by Labcorp Genetics (formerly Invitae), Labcorp).